The following is an entry in ClinVar:

NM_001360.3(DHCR7):c.1138T>C (p.Cys380Arg)

Gene: DHCR7 (7-dehydrocholesterol reductase; minus strand). Cytogenetic location: 11q13.4.
Variant type: single nucleotide variant.
Coding change: c.1138T>C on transcript NM_001360.3 (MANE Select); coding-DNA position 1138, T replaced by C.
Protein change: p.Cys380Arg; replaces cysteine 380 with arginine.
Molecular consequence: missense variant.
Genome position (GRCh38, 1-based): chr11:71,435,665, A>G on the plus strand (T>C on the coding strand, the complement: DHCR7 is on the minus strand). VCF-style: chr11-71435665-A-G. GRCh37 (hg19) VCF-style: chr11-71146711-A-G.
Other names: c.1138T>C, p.Cys380Arg (NM_001163817.2); short protein forms C380R.
Identifiers: ClinVar variation 284527 (VCV000284527.21), dbSNP rs373306653, ClinGen allele CA6162305.

ClinVar aggregate classification (germline): Pathogenic/Likely pathogenic. Review status: criteria provided, multiple submitters, no conflicts (2 of 4 stars). 7 submissions from 7 submitters: Pathogenic (4); Likely pathogenic (2). 1 of the submissions does not count toward it. Last evaluated 2025-08-15.

Conditions:
Smith-Lemli-Opitz syndrome (SLOS). Also called: LETHAL ACRODYSGENITAL SYNDROME; POLYDACTYLY, SEX REVERSAL, RENAL HYPOPLASIA, AND UNILOBAR LUNG; RSH SYNDROME; RUTLEDGE LETHAL MULTIPLE CONGENITAL ANOMALY SYNDROME; 7-Dehydrocholesterol reductase deficiency. Identifiers: Orphanet 818, MedGen C0175694, MONDO:0010035, OMIM 270400.
DHCR7-related disorder. Also called: DHCR7-related condition.
Inborn genetic diseases. Identifiers: MedGen C0950123, MeSH D030342.

Allele frequency attached by ClinVar (database versions not stated): ExAC 0.00001; gnomAD 0.00001; gnomAD exomes 0.00001; TOPMed 0.00001; ESP Exome Variant Server 0.00008.
gnomAD v4.1: 7 of 1,612,912 alleles (0.00043%); highest among the groups gnomAD compares: African/African-American, 0.0013%; no homozygotes.

Submissions (7):

Natera, Inc.
Classification: Likely pathogenic for Smith-Lemli-Opitz syndrome. Last evaluated: 2025-08-15. Review status: criteria provided, single submitter. Criteria: Natera Variant Classification Schema (03/2026). Collection method: clinical testing. Allele origin: germline.
Comment: The c.1138T>C variant in DHCR7 is a missense variant predicted to cause substitution of cysteine to arginine at amino acid 380. This variant is rare in the general population with a frequency below the threshold expected for the associated phenotype(s). This variant has been observed in one or more individuals affected with the associated recessive disease, as either homozygous or compound heterozygous with a second variant (PMID: 15896653, 17441222). This variant has been identified in one or more affected individual with a phenotype highly consistent with the associated gene (PMID: 15896653). Functional studies show that this variant may disrupt protein function (PMID: 10677299). Computational prediction algorithms indicate this variant is likely to affect gene or protein function. Given the available evidence, this variant is classified as Likely Pathogenic.

Blueprint Genetics
Classification: Pathogenic for DHCR7-related disorders. Last evaluated: 2024-06-12. Review status: criteria provided, single submitter. Criteria: ACMG Guidelines, 2015. Collection method: clinical testing. Allele origin: germline. Affected: yes. Observed: 2 variant alleles.

Fulgent Genetics
Classification: Pathogenic for Smith-Lemli-Opitz syndrome. Last evaluated: 2024-01-23. Review status: criteria provided, single submitter. Criteria: ACMG Guidelines, 2015. Collection method: clinical testing. Allele origin: germline.

Labcorp Genetics (formerly Invitae), Labcorp
Classification: Pathogenic for Smith-Lemli-Opitz syndrome. Last evaluated: 2022-08-31. Review status: criteria provided, single submitter. Criteria: Invitae Variant Classification Sherloc (09022015). Collection method: clinical testing. Allele origin: germline.
Comment: This missense change has been observed in individual(s) with DHCR7-related conditions (PMID: 15896653, 17441222, 31395954). In at least one individual the data is consistent with being in trans (on the opposite chromosome) from a pathogenic variant. This variant is present in population databases (rs373306653, gnomAD 0.007%). This sequence change replaces cysteine, which is neutral and slightly polar, with arginine, which is basic and polar, at codon 380 of the DHCR7 protein (p.Cys380Arg). For these reasons, this variant has been classified as Pathogenic. This variant disrupts the p.Cys380 amino acid residue in DHCR7. Other variant(s) that disrupt this residue have been determined to be pathogenic (PMID: 9653161, 10677299, 20014133). This suggests that this residue is clinically significant, and that variants that disrupt this residue are likely to be disease-causing. Advanced modeling of protein sequence and biophysical properties (such as structural, functional, and spatial information, amino acid conservation, physicochemical variation, residue mobility, and thermodynamic stability) performed at Invitae indicates that this missense variant is expected to disrupt DHCR7 protein function. ClinVar contains an entry for this variant (Variation ID: 284527).

Eurofins Ntd Llc (ga)
Classification: Likely pathogenic. Last evaluated: 2018-03-30. Review status: criteria provided, single submitter. Criteria: EGL ClinVar v180209 classification definitions. Collection method: clinical testing. Allele origin: germline. Observed: 2 variant alleles, 2 heterozygotes.

Ambry Genetics
Classification: Pathogenic for Inborn genetic diseases. Last evaluated: 2015-02-06. Review status: criteria provided, single submitter. Criteria: Ambry Variant Classification Scheme 2023. Collection method: clinical testing. Allele origin: germline.
Comment: The p.C380R pathogenic mutation (also known as c.1138T>C), located in coding exon 7 of the DHCR7 gene, results from a T to C substitution at nucleotide position 1138. The cysteine at codon 380 is replaced by arginine, an amino acid with highly dissimilar properties. This mutation was described along with a second pathogenic alteration in an infant with multiple dysplastic features, hypertension, and a biochemical diagnosis of Smith-Lemli-Opitz syndrome. However, phase (cis vs. trans) was not reported (Nowaczyk MJ, Am. J. Med. Genet. 2001 Oct; 103(3):223-5). In addition, in vitro studies demonstrated that this mutation decreases protein expression to 5% of wild type levels (Witsch-Baumgartner M, Am. J. Hum. Genet. 2000 Feb; 66(2):402-12). Another disease-causing mutation, p.C380Y has been described in the same codon. Based on the supporting evidence, p.C380R is interpreted as a disease-causing mutation.

Counsyl
Classification: Likely pathogenic for Smith-Lemli-Opitz syndrome. Last evaluated: 2017-12-01. Review status: no assertion criteria provided. Collection method: clinical testing. Allele origin: unknown. Not counted in ClinVar's aggregate classification.

Literature cited by the submitters: PubMed 15896653 (cited by 3 submitters); PubMed 17441222 (cited by 3 submitters); PubMed 10677299 (cited by 4 submitters); PubMed 31395954 (cited by Labcorp Genetics (formerly Invitae), Labcorp); PubMed 9653161 (cited by Labcorp Genetics (formerly Invitae), Labcorp); PubMed 20014133 (cited by Labcorp Genetics (formerly Invitae), Labcorp); PubMed 11745994 (cited by Ambry Genetics and Counsyl); PubMed 15776424 (cited by Counsyl).